The following is an entry in ClinVar:

NM_001042492.3(NF1):c.1541A>G (p.Gln514Arg)

Gene: NF1 (neurofibromin 1; plus strand). Cytogenetic location: 17q11.2.
Variant type: single nucleotide variant.
Coding change: c.1541A>G on transcript NM_001042492.3 (MANE Select); coding-DNA position 1541, A replaced by G.
Protein change: p.Gln514Arg; replaces glutamine 514 with arginine.
Molecular consequence: missense variant.
Genome position (GRCh38, 1-based): chr17:31,219,018, A>G. VCF-style: chr17-31219018-A-G. GRCh37 (hg19) VCF-style: chr17-29546036-A-G.
Other names: c.1541A>G, p.Gln514Arg (NM_000267.4, NM_001128147.3); short protein forms Q514R.
Identifiers: ClinVar variation 1397062 (VCV001397062.29), dbSNP rs775369084, ClinGen allele CA8485807.
Genomic context (GRCh38, chr17:31,219,018, plus strand): 5'-TCGATTTATTTATTTTTTTAATTGAAGTTTCCTTTTTTTCCTTGCAGAATCCAAGAAAAC[A>G]GGGGCCCGAAACCCAAGGCAGTACAGCAGAATTAATTACAGGGCTCGTCCAACTGGTCCC-3'
Protein context (NP_001035957.1, residues 504-524): PKLLLCNPRK[Gln514Arg]GPETQGSTAE

ClinVar aggregate classification (germline): Uncertain significance. Review status: criteria provided, multiple submitters, no conflicts (2 of 4 stars). 4 submissions from 4 submitters: Uncertain significance (4). Last evaluated 2026-05-22.

Conditions:
Hereditary cancer-predisposing syndrome. Also called: Hereditary Cancer Syndrome; Tumor predisposition; Neoplastic Syndromes, Hereditary; Hereditary neoplastic syndrome. Identifiers: Orphanet 140162, MedGen C0027672, MeSH D009386, MONDO:0015356.
Cardiovascular phenotype. Identifiers: MedGen CN230736.
Neurofibromatosis, type 1 (NF1). Also called: NEUROFIBROMATOSIS, TYPE I, SOMATIC; VON RECKLINGHAUSEN DISEASE; Peripheral type neurofibromatosis; Neurofibromatosis, type I. Identifiers: Orphanet 636, MedGen C0027831, MONDO:0018975, OMIM 162200. Disease mechanism: loss of function.
Juvenile myelomonocytic leukemia (JMML). Also called: LEUKEMIA, JUVENILE MYELOMONOCYTIC, SOMATIC. Identifiers: Orphanet 86834, MedGen C0349639, MONDO:0011908, OMIM 607785, HP:0012209.

gnomAD v4.1: 1 of 1,613,200 alleles (0.000062%); highest among the groups gnomAD compares: South Asian, 0.0011%; no homozygotes.

Submissions (4):

Ambry Genetics
Classification: Uncertain significance for Cardiovascular phenotype; Hereditary cancer-predisposing syndrome. Last evaluated: 2026-05-22. Review status: criteria provided, single submitter. Criteria: Ambry Variant Classification Scheme 2023. Collection method: clinical testing. Allele origin: germline.
Comment: The p.Q514R variant (also known as c.1541A>G), located in coding exon 14 of the NF1 gene, results from an A to G substitution at nucleotide position 1541. The glutamine at codon 514 is replaced by arginine, an amino acid with highly similar properties. This amino acid position is well conserved in available vertebrate species. In addition, this alteration is predicted to be tolerated by in silico analysis. Based on the available evidence, the clinical significance of this variant remains unclear.

CeGaT Center for Human Genetics Tuebingen
Classification: Uncertain significance. Last evaluated: 2024-07-01. Review status: criteria provided, single submitter. Criteria: CeGaT Center For Human Genetics Tuebingen Variant Classification Criteria Version 2. Collection method: clinical testing. Allele origin: germline. Affected: yes. Observed: 1 variant allele.
Comment: NF1: PM2

Baylor Genetics
Classification: Uncertain significance for Juvenile myelomonocytic leukemia. Last evaluated: 2023-08-18. Review status: criteria provided, single submitter. Criteria: ACMG Guidelines, 2015. Collection method: clinical testing. Allele origin: unknown.

Labcorp Genetics (formerly Invitae), Labcorp
Classification: Uncertain significance for Neurofibromatosis, type 1. Last evaluated: 2022-08-16. Review status: criteria provided, single submitter. Criteria: Invitae Variant Classification Sherloc (09022015). Collection method: clinical testing. Allele origin: germline.
Comment: In summary, the available evidence is currently insufficient to determine the role of this variant in disease. Therefore, it has been classified as a Variant of Uncertain Significance. Advanced modeling of protein sequence and biophysical properties (such as structural, functional, and spatial information, amino acid conservation, physicochemical variation, residue mobility, and thermodynamic stability) performed at Invitae indicates that this missense variant is not expected to disrupt NF1 protein function. This variant is present in population databases (rs775369084, gnomAD 0.003%). This sequence change replaces glutamine, which is neutral and polar, with arginine, which is basic and polar, at codon 514 of the NF1 protein (p.Gln514Arg). This variant has not been reported in the literature in individuals affected with NF1-related conditions. ClinVar contains an entry for this variant (Variation ID: 1397062).